The following is an entry in ClinVar:

ClinVar aggregate classification (germline): Likely pathogenic (1 of 4 stars; one submission).

Conditions:
GM3 synthase deficiency (SPDRS). Also called: SALT AND PEPPER DEVELOPMENTAL REGRESSION SYNDROME; SALT AND PEPPER MENTAL RETARDATION SYNDROME; AMISH INFANTILE EPILEPSY SYNDROME. Identifiers: Orphanet 171714, Orphanet 370933, MedGen C1836824, MONDO:0018274, OMIM 609056.

Submission:

Institute of Human Genetics, Cologne University
Classification: Likely pathogenic for GM3 synthase deficiency. Last evaluated: 2026-02-09. Review status: criteria provided, single submitter. Criteria: ACMG Guidelines, 2015. Collection method: clinical testing. Allele origin: paternal. Affected: yes.
Comment: salt and pepper like lesions on dorsal feet (PP4_moderate), compound-heterozygous with the pathogenic variant c.319-2A>G

NM_003896.4(ST3GAL5):c.319-6T>G

Gene: ST3GAL5 (ST3 beta-galactoside alpha-2,3-sialyltransferase 5; minus strand). Cytogenetic location: 2p11.2.
Variant type: single nucleotide variant.
Coding change: c.319-6T>G on transcript NM_003896.4 (MANE Select); 6 bases into the intron before coding-DNA position 319, T replaced by G.
Molecular consequence: intron variant. On other transcripts: 5 prime UTR variant (4).
Genome position (GRCh38, 1-based): chr2:85,848,210, A>C on the plus strand (T>G on the coding strand, the complement: ST3GAL5 is on the minus strand). VCF-style: chr2-85848210-A-C. GRCh37 (hg19) VCF-style: chr2-86075333-A-C.
Other names: c.-72T>G (NM_001354223.2, NM_001354226.2, NM_001354233.2); c.-592T>G (NM_001354247.1); c.-66-6T>G (NM_001354224.2, NM_001354234.1, NM_001354248.1); c.235-6T>G (NM_001354227.2, NM_001354229.2, NM_001354238.1); c.250-6T>G (NM_001042437.2); c.319-6T>G (NM_001363847.1).
Identifiers: ClinVar variation 4849914 (VCV004849914.1).